The following is an entry in ClinVar:

ClinVar aggregate classification (germline): Uncertain significance. Review status: criteria provided, multiple submitters, no conflicts (2 of 4 stars). 2 submissions from 2 submitters: Uncertain significance (2). Last evaluated 2024-10-25.

Conditions:
Inborn genetic diseases. Identifiers: MedGen C0950123, MeSH D030342.

Allele frequency attached by ClinVar (database versions not stated): ExAC 0.00001; gnomAD exomes 0.00002; TOPMed 0.00002; gnomAD 0.00003.
gnomAD v4.1: 28 of 1,614,014 alleles (0.0017%); highest among the groups gnomAD compares: East Asian, 0.025%; no homozygotes.

Submissions (2):

Labcorp Genetics (formerly Invitae), Labcorp
Classification: Uncertain significance. Last evaluated: 2024-10-25. Review status: criteria provided, single submitter. Criteria: Invitae Variant Classification Sherloc (09022015). Collection method: clinical testing. Allele origin: germline.
Comment: This sequence change replaces glutamic acid, which is acidic and polar, with lysine, which is basic and polar, at codon 756 of the PCDH12 protein (p.Glu756Lys). This variant is present in population databases (rs758697005, gnomAD 0.02%). This variant has not been reported in the literature in individuals affected with PCDH12-related conditions. ClinVar contains an entry for this variant (Variation ID: 2241860). Invitae Evidence Modeling of protein sequence and biophysical properties (such as structural, functional, and spatial information, amino acid conservation, physicochemical variation, residue mobility, and thermodynamic stability) indicates that this missense variant is not expected to disrupt PCDH12 protein function with a negative predictive value of 95%. In summary, the available evidence is currently insufficient to determine the role of this variant in disease. Therefore, it has been classified as a Variant of Uncertain Significance.

Ambry Genetics
Classification: Uncertain significance for Inborn genetic diseases. Last evaluated: 2021-08-11. Review status: criteria provided, single submitter. Criteria: Ambry Variant Classification Scheme 2023. Collection method: clinical testing. Allele origin: germline.

NM_016580.4(PCDH12):c.2266G>A (p.Glu756Lys)

Genes: PCDH12 (protocadherin 12; minus strand), RNF14 (ring finger protein 14; plus strand). Cytogenetic location: 5q31.3.
Variant type: single nucleotide variant.
Coding change: c.2266G>A on transcript NM_016580.4 (MANE Select); coding-DNA position 2266, G replaced by A.
Protein change: p.Glu756Lys; replaces glutamic acid 756 with lysine.
Molecular consequence: missense variant.
Genome position (GRCh38, 1-based): chr5:141,955,586, C>T on the plus strand (G>A on the coding strand, the complement: PCDH12 is on the minus strand). VCF-style: chr5-141955586-C-T. GRCh37 (hg19) VCF-style: chr5-141335151-C-T.
Other names: short protein forms E756K.
Identifiers: ClinVar variation 2241860 (VCV002241860.3), dbSNP rs758697005, ClinGen allele CA3484239.